The following is an entry in ClinVar:

ClinVar aggregate classification (germline): Uncertain significance (1 of 4 stars; one submission).

Submission:

Women's Health and Genetics/Laboratory Corporation of America, LabCorp
Classification: Uncertain significance. Last evaluated: 2025-06-09. Review status: criteria provided, single submitter. Criteria: LabCorp Variant Classification Summary - May 2015. Collection method: clinical testing. Allele origin: germline.
Comment: Variant summary: HEXA c.749G>C (p.Gly250Ala) results in a non-conservative amino acid change in the encoded protein sequence. Algorithms developed to predict the effect of missense changes on protein structure and function all suggest that this variant is likely to be disruptive. The variant was absent in 251484 control chromosomes. The available data on variant occurrences in the general population are insufficient to allow any conclusion about variant significance. To our knowledge, no occurrence of c.749G>C in individuals affected with Tay-Sachs Disease and no experimental evidence demonstrating its impact on protein function have been reported. No submitters have cited clinical-significance assessments for this variant to ClinVar. Based on the evidence outlined above, the variant was classified as uncertain significance.

NM_000520.6(HEXA):c.749G>C (p.Gly250Ala)

Gene: HEXA (hexosaminidase subunit alpha; minus strand). Cytogenetic location: 15q23.
Variant type: single nucleotide variant.
Coding change: c.749G>C on transcript NM_000520.6 (MANE Select); coding-DNA position 749, G replaced by C.
Protein change: p.Gly250Ala; replaces glycine 250 with alanine.
Molecular consequence: missense variant. On other transcripts: non-coding transcript variant (1).
Genome position (GRCh38, 1-based): chr15:72,350,574, C>G on the plus strand (G>C on the coding strand, the complement: HEXA is on the minus strand). VCF-style: chr15-72350574-C-G. GRCh37 (hg19) VCF-style: chr15-72642915-C-G.
Other names: c.782G>C, p.Gly261Ala (NM_001318825.2); short protein forms G250A, G261A.
Identifiers: ClinVar variation 3907285 (VCV003907285.1).
Genomic context (GRCh38, chr15:72,350,574, plus strand): 5'-TTACCTGGTCCCCAGGACAAAGTGTGGCCAGGAGTGTCAAACTCTGCAAGCACACGGATA[C>G]CCCGGAGCCGTGCGTATTCAATGACCTCCTTCACATCCTGTGCTGTGTAGATGTGGGTGA-3'
Protein context (NP_000511.2, residues 240-260): KEVIEYARLR[Gly250Ala]IRVLAEFDTP